The following is an entry in ClinVar:

NC_012920.1(MT-ND1):m.3492A>C

Gene: MT-ND1 (mitochondrially encoded NADH dehydrogenase 1; plus strand).
Variant type: single nucleotide variant.
Genome position: chrM-3492-A-C.
Identifiers: ClinVar variation 692358 (VCV000692358.1), dbSNP rs878950749, ClinGen allele CA337096556.

ClinVar aggregate classification (germline): Likely benign (1 of 4 stars; one submission).

Conditions:
Leigh syndrome (NULS). Also called: Leigh's necrotizing encephalopathy; Leigh's disease; Leigh Syndrome (mtDNA deletion); Leigh Disease; Subacute necrotizing encephalopathy; Necrotizing encephalopathy infantile subacute of Leigh. Identifiers: Orphanet 506, MedGen C2931891, MONDO:0009723, OMIM 256000.

Submission:

Wong Mito Lab, Molecular and Human Genetics, Baylor College of Medicine
Classification: Likely benign for Leigh syndrome. Last evaluated: 2019-10-17. Review status: criteria provided, single submitter. Criteria: Modified ACMG Guidelines (Unpublished). Collection method: clinical testing. Allele origin: germline.
Comment: The NC_012920.1:m.3492A>C (YP_003024026.1:p.Lys62Asn) variant in MTND1 gene is interpretated to be a Likely Benign variant based on the modified ACMG guidelines (unpublished). This variant meets the following evidence codes: BP4, BP6

Literature cited by the submitters: PubMed 20211276.